The following is an entry in ClinVar:

NM_001127222.2(CACNA1A):c.3473A>C (p.Lys1158Thr)

Gene: CACNA1A (calcium voltage-gated channel subunit alpha1 A; minus strand). Cytogenetic location: 19p13.13.
Variant type: single nucleotide variant.
Coding change: c.3473A>C on transcript NM_001127222.2 (MANE Select); coding-DNA position 3473, A replaced by C.
Protein change: p.Lys1158Thr; replaces lysine 1158 with threonine.
Molecular consequence: missense variant.
Genome position (GRCh38, 1-based): chr19:13,286,583, T>G on the plus strand (A>C on the coding strand, the complement: CACNA1A is on the minus strand). VCF-style: chr19-13286583-T-G. GRCh37 (hg19) VCF-style: chr19-13397397-T-G.
Other names: c.3485A>C, p.Lys1162Thr (NM_000068.4, NM_023035.3); c.3476A>C, p.Lys1159Thr (NM_001127221.2, NM_001174080.2); short protein forms K1159T, K1162T, K1158T.
Identifiers: ClinVar variation 1900651 (VCV001900651.5), dbSNP rs776450313, ClinGen allele CA9240312.

ClinVar aggregate classification (germline): Uncertain significance (1 of 4 stars; one submission).

Conditions:
Episodic ataxia type 2 (EA2). Also called: ATAXIA, EPISODIC, WITH NYSTAGMUS; ATAXIA, FAMILIAL PAROXYSMAL; CEREBELLAR ATAXIA, PAROXYSMAL, ACETAZOLAMIDE-RESPONSIVE; CEREBELLOPATHY, HEREDITARY PAROXYSMAL; EPISODIC ATAXIA, NYSTAGMUS-ASSOCIATED; ACETAZOLAMIDE-RESPONSIVE HEREDITARY PAROXYSMAL CEREBELLAR ATAXIA. Identifiers: Orphanet 97, MedGen C1720416, MONDO:0007163, OMIM 108500.
Developmental and epileptic encephalopathy, 42 (DEE42A). Also called: DEVELOPMENTAL AND EPILEPTIC ENCEPHALOPATHY 42A; EPILEPTIC ENCEPHALOPATHY, EARLY INFANTILE, 42A; Epileptic encephalopathy, early infantile, 42. Identifiers: MedGen C4310716, MONDO:0014917, OMIM 617106.

Allele frequency attached by ClinVar (database versions not stated): ExAC 0.00001; gnomAD exomes 0.00001.
gnomAD v4.1: 8 of 1,547,256 alleles (0.00052%); highest among the groups gnomAD compares: Non-Finnish European, 0.00069%; no homozygotes.

Submission:

Labcorp Genetics (formerly Invitae), Labcorp
Classification: Uncertain significance for Developmental and epileptic encephalopathy, 42; Episodic ataxia type 2. Last evaluated: 2024-06-25. Review status: criteria provided, single submitter. Criteria: Invitae Variant Classification Sherloc (09022015). Collection method: clinical testing. Allele origin: germline.
Comment: This sequence change replaces lysine, which is basic and polar, with threonine, which is neutral and polar, at codon 1159 of the CACNA1A protein (p.Lys1159Thr). This variant is present in population databases (rs776450313, gnomAD 0.001%). This variant has not been reported in the literature in individuals affected with CACNA1A-related conditions. ClinVar contains an entry for this variant (Variation ID: 1900651). Advanced modeling of protein sequence and biophysical properties (such as structural, functional, and spatial information, amino acid conservation, physicochemical variation, residue mobility, and thermodynamic stability) performed at Invitae indicates that this missense variant is not expected to disrupt CACNA1A protein function with a negative predictive value of 95%. In summary, the available evidence is currently insufficient to determine the role of this variant in disease. Therefore, it has been classified as a Variant of Uncertain Significance.